The following is an entry in ClinVar:

NM_001267550.2(TTN):c.64860G>A (p.Arg21620=)

Genes: TTN (titin; minus strand), TTN-AS1 (TTN antisense RNA 1; plus strand). Cytogenetic location: 2q31.2.
Variant type: single nucleotide variant.
Coding change: c.64860G>A on transcript NM_001267550.2 (MANE Select); coding-DNA position 64860, G replaced by A.
Protein change: p.Arg21620=; no amino-acid change (arginine 21620 retained).
Molecular consequence: synonymous variant. On other transcripts: non-coding transcript variant (1).
Genome position (GRCh38, 1-based): chr2:178,584,781, C>T on the plus strand (G>A on the coding strand, the complement: TTN is on the minus strand). VCF-style: chr2-178584781-C-T. GRCh37 (hg19) VCF-style: chr2-179449508-C-T.
Other names: c.59937G>A, p.Arg19979= (NM_001256850.1); c.57156G>A, p.Arg19052= (NM_133378.4); c.37665G>A, p.Arg12555= (NM_003319.4); c.38040G>A, p.Arg12680= (NM_133432.3); c.38241G>A, p.Arg12747= (NM_133437.4).
Identifiers: ClinVar variation 47214 (VCV000047214.35), dbSNP rs373713828, ClinGen allele CA140363.

ClinVar aggregate classification (germline): Likely benign. Review status: criteria provided, multiple submitters, no conflicts (2 of 4 stars). 7 submissions from 7 submitters: Likely benign (7). Last evaluated 2026-08-25.

Conditions:
TTN-related disorder. Also called: TTN-related condition; TTN-related disease; TTN-related disorders.
Cardiovascular phenotype. Identifiers: MedGen CN230736.
Dilated cardiomyopathy 1G (CMD1G). Identifiers: Orphanet 154, MedGen C1858763, MONDO:0011400, OMIM 604145.
Autosomal recessive limb-girdle muscular dystrophy type 2J (LGMDR10). Also called: Limb-girdle muscular dystrophy, type 2J; MUSCULAR DYSTROPHY, LIMB-GIRDLE, AUTOSOMAL RECESSIVE 10. Identifiers: Orphanet 140922, MedGen C1837342, MONDO:0012127, OMIM 608807.

Allele frequency attached by ClinVar (database versions not stated): TOPMed 0.00004; gnomAD 0.00006; ESP Exome Variant Server 0.00008.
gnomAD v4.1: 36 of 1,613,330 alleles (0.0022%); highest among the groups gnomAD compares: Non-Finnish European, 0.000085%; no homozygotes.

Submissions (7):

PreventionGenetics, part of Exact Sciences
Classification: Likely benign for TTN-related condition. Last evaluated: 2026-08-25. Review status: criteria provided, single submitter. Criteria: ACMG Guidelines, 2015. Collection method: clinical testing. Allele origin: germline.
Comment: This variant is classified as likely benign based on ACMG/AMP sequence variant interpretation guidelines (Richards et al. 2015 PMID: 25741868, with internal and published modifications).

Labcorp Genetics (formerly Invitae), Labcorp
Classification: Likely benign for Dilated cardiomyopathy 1G; Autosomal recessive limb-girdle muscular dystrophy type 2J. Last evaluated: 2025-09-10. Review status: criteria provided, single submitter. Criteria: Invitae Variant Classification Sherloc (09022015). Collection method: clinical testing. Allele origin: germline.

Blueprint Genetics
Classification: Likely benign. Last evaluated: 2024-09-05. Review status: criteria provided, single submitter. Criteria: ACMG Guidelines, 2015. Collection method: clinical testing. Allele origin: germline.

CeGaT Center for Human Genetics Tuebingen
Classification: Likely benign. Last evaluated: 2024-09-01. Review status: criteria provided, single submitter. Criteria: CeGaT Center For Human Genetics Tuebingen Variant Classification Criteria Version 2. Collection method: clinical testing. Allele origin: germline. Affected: yes. Observed: 2 variant alleles.
Comment: TTN: BP4, BP7

Ambry Genetics
Classification: Likely benign for Cardiovascular phenotype. Last evaluated: 2021-02-09. Review status: criteria provided, single submitter. Criteria: Ambry Variant Classification Scheme 2023. Collection method: clinical testing. Allele origin: germline.

GeneDx
Classification: Likely benign. Last evaluated: 2017-11-21. Review status: criteria provided, single submitter. Criteria: GeneDx Variant Classification (06012015). Collection method: clinical testing. Allele origin: germline. Affected: yes.
Comment: This variant is considered likely benign or benign based on one or more of the following criteria: it is a conservative change, it occurs at a poorly conserved position in the protein, it is predicted to be benign by multiple in silico algorithms, and/or has population frequency not consistent with disease.

Laboratory for Molecular Medicine, Mass General Brigham Personalized Medicine
Classification: Likely benign. Last evaluated: 2012-10-24. Review status: criteria provided, single submitter. Criteria: LMM Criteria. Collection method: clinical testing. Allele origin: germline. Observed: 1 variant allele.
Comment: Arg19052Arg in exon 259 of TTN: This variant is not expected to have clinical si gnificance because it does not alter an amino acid residue and is not located wi thin the splice consensus sequence. It has been identified in 1/8260 European Am erican chromosomes from a broad population by the NHLBI Exome Sequencing Project. Arg19052Arg in exon 259 of TTN (allele fr equency = 1/8260) **